The following is an entry in ClinVar:

NM_016955.4(SEPSECS):c.1A>T (p.Met1Leu)

Gene: SEPSECS (Sep (O-phosphoserine) tRNA:Sec (selenocysteine) tRNA synthase; minus strand). Cytogenetic location: 4p15.2.
Variant type: single nucleotide variant.
Coding change: c.1A>T on transcript NM_016955.4 (MANE Select); coding-DNA position 1, A replaced by T.
Protein change: p.Met1Leu; changes the start codon (methionine 1).
Molecular consequence: missense variant, initiator codon variant.
Genome position (GRCh38, 1-based): chr4:25,160,369, T>A on the plus strand (A>T on the coding strand, the complement: SEPSECS is on the minus strand). VCF-style: chr4-25160369-T-A. GRCh37 (hg19) VCF-style: chr4-25161991-T-A.
Other names: short protein forms M1L.
Identifiers: ClinVar variation 1298330 (VCV001298330.3), dbSNP rs1025711998, ClinGen allele CA356545661.

ClinVar aggregate classification (germline): Pathogenic (1 of 4 stars; one submission).

Conditions:
Pontocerebellar hypoplasia type 2D (PCH2D). Also called: Progressive cerebello-cerebral atrophy. Identifiers: Orphanet 247198, Orphanet 2524, MedGen C3151140, MONDO:0013438, OMIM 613811.

Submission:

Institute for Genomic Medicine, Nationwide Children's Hospital
Classification: Pathogenic for Pontocerebellar hypoplasia type 2D. Last evaluated: 2021-10-01. Review status: criteria provided, single submitter. Criteria: ACMG Guidelines, 2015. Collection method: research. Allele origin: maternal. Inheritance: Autosomal recessive inheritance. Affected: yes. Observed: 1 compound heterozygote.
Comment: This variant was identified compound-heterozygous with a splicing variant (ClinVar ID 522806) in two siblings with PCH type 2D. The c.1A>T variant is absent from public databases (0 in gnomAD despite good coverage), making it extremely rare. It disrupts the initiator codon of the canonical transcript and is predicted to change the starting methionine to a leucine (NM_016955.4:c.1A>T, (p.Met1Leu)). While this exact nucleotide change has not been previously reported to our knowledge, Zhu et al (PMID 25590979) identified a similar initiator codon variant (c.1A>G, (p.Met1Val)) that was compound-heterozygous with a splice site variant in a patient with PCH type 2D. We interpret the variant as pathogenic.